The following is an entry in ClinVar:

ClinVar aggregate classification (germline): Uncertain significance (1 of 4 stars; one submission).

Conditions:
Multiple congenital anomalies-hypotonia-seizures syndrome 1 (MCAHS1). Also called: PIGN-CDG; Congenital disorder of glycosylation due to PIGN deficiency; GLYCOSYLPHOSPHATIDYLINOSITOL BIOSYNTHESIS DEFECT 3. Identifiers: Orphanet 280633, MedGen C3279775, MONDO:0013563, OMIM 614080.

Allele frequency attached by ClinVar (database versions not stated): gnomAD 0.00001; TOPMed 0.00001; gnomAD exomes 0.00002.
gnomAD v4.1: 28 of 1,536,634 alleles (0.0018%); highest among the groups gnomAD compares: Non-Finnish European, 0.0022%; no homozygotes.

Submission:

Labcorp Genetics (formerly Invitae), Labcorp
Classification: Uncertain significance for Multiple congenital anomalies-hypotonia-seizures syndrome 1. Last evaluated: 2021-08-28. Review status: criteria provided, single submitter. Criteria: Invitae Variant Classification Sherloc (09022015). Collection method: clinical testing. Allele origin: germline.
Comment: This sequence change replaces isoleucine with valine at codon 204 of the PIGN protein (p.Ile204Val). The isoleucine residue is weakly conserved and there is a small physicochemical difference between isoleucine and valine. This variant is not present in population databases (ExAC no frequency). This variant has not been reported in the literature in individuals affected with PIGN-related conditions. ClinVar contains an entry for this variant (Variation ID: 472234). Algorithms developed to predict the effect of missense changes on protein structure and function output the following: SIFT: "Tolerated"; PolyPhen-2: "Benign"; Align-GVGD: "Class C0". The valine amino acid residue is found in multiple mammalian species, which suggests that this missense change does not adversely affect protein function. In summary, the available evidence is currently insufficient to determine the role of this variant in disease. Therefore, it has been classified as a Variant of Uncertain Significance.

NM_176787.5(PIGN):c.610A>G (p.Ile204Val)

Gene: PIGN (phosphatidylinositol glycan anchor biosynthesis class N; minus strand). Cytogenetic location: 18q21.33.
Variant type: single nucleotide variant.
Coding change: c.610A>G on transcript NM_176787.5 (MANE Select); coding-DNA position 610, A replaced by G.
Protein change: p.Ile204Val; replaces isoleucine 204 with valine.
Molecular consequence: missense variant.
Genome position (GRCh38, 1-based): chr18:62,148,278, T>C on the plus strand (A>G on the coding strand, the complement: PIGN is on the minus strand). VCF-style: chr18-62148278-T-C. GRCh37 (hg19) VCF-style: chr18-59815511-T-C.
Other names: c.610A>G, p.Ile204Val (NM_012327.6); short protein forms I204V.
Identifiers: ClinVar variation 472234 (VCV000472234.7), dbSNP rs1353757700, ClinGen allele CA402602193.